The following is an entry in ClinVar:

ClinVar aggregate classification (germline): Uncertain significance (1 of 4 stars; one submission).

Submission:

GeneDx
Classification: Uncertain significance. Last evaluated: 2019-10-25. Review status: criteria provided, single submitter. Criteria: GeneDx Variant Classification Process June 2021. Collection method: clinical testing. Allele origin: germline. Affected: yes.
Comment: Not observed in large population cohorts (Lek et al., 2016); In silico analysis, which includes protein predictors and evolutionary conservation, supports a deleterious effect; Has not been previously published as pathogenic or benign to our knowledge

NM_006766.5(KAT6A):c.68A>G (p.Gln23Arg)

Gene: KAT6A (lysine acetyltransferase 6A; minus strand). Cytogenetic location: 8p11.21.
Variant type: single nucleotide variant.
Coding change: c.68A>G on transcript NM_006766.5 (MANE Select); coding-DNA position 68, A replaced by G.
Protein change: p.Gln23Arg; replaces glutamine 23 with arginine.
Molecular consequence: missense variant.
Genome position (GRCh38, 1-based): chr8:42,048,910, T>C on the plus strand (A>G on the coding strand, the complement: KAT6A is on the minus strand). VCF-style: chr8-42048910-T-C. GRCh37 (hg19) VCF-style: chr8-41906428-T-C.
Other names: c.68A>G, p.Gln23Arg (NM_001305878.2); short protein forms Q23R.
Identifiers: ClinVar variation 1309657 (VCV001309657.2), dbSNP rs2150932970, ClinGen allele CA371175492.